The following is an entry in ClinVar:

ClinVar aggregate classification (germline): Conflicting classifications of pathogenicity. Review status: criteria provided, conflicting classifications (1 of 4 stars). 2 submissions from 2 submitters: Likely pathogenic (1); Uncertain significance (1). Last evaluated 2025-08-15.

Conditions:
Hereditary factor X deficiency disease. Also called: Congenital factor X deficiency; STUART-PROWER FACTOR DEFICIENCY. Identifiers: Orphanet 328, MedGen C0272327, MONDO:0009212, OMIM 227600.

Allele frequency attached by ClinVar (database versions not stated): gnomAD exomes 0.00001 and 0.00003; ExAC 0.00005; gnomAD 0.00011; TOPMed 0.00015; ESP Exome Variant Server 0.00023.
gnomAD v4.1: 34 of 1,613,244 alleles (0.0021%); highest among the groups gnomAD compares: African/African-American, 0.036%; no homozygotes.

Submissions (2):

GeneDx
Classification: Uncertain significance. Last evaluated: 2025-08-15. Review status: criteria provided, single submitter. Criteria: GeneDx Variant Classification Process June 2021. Collection method: clinical testing. Allele origin: germline. Affected: yes.
Comment: Reported in the published literature in association with bleeding disorders (PMID: 26879396, 34355501); In silico analysis suggests that this missense variant does not alter protein structure/function; This variant is associated with the following publications: (PMID: 34355501, 37647632, 26879396)

ISTH-SSC Genomics in Thrombosis and Hemostasis, KU Leuven, Center for Molecular and Vascular Biology
Classification: Likely pathogenic for Hereditary factor X deficiency disease. Review status: criteria provided, single submitter. Criteria: ACMG Guidelines, 2015. Collection method: clinical testing. Allele origin: unknown. Affected: yes.
Comment: Submitted to GoldVariant by Kathleen Freson, Center for Molecular and Vascular Biology, Leuven, Belgium

Literature cited by the submitters: PubMed 34355501 (cited by ISTH-SSC Genomics in Thrombosis and Hemostasis, KU Leuven, Center for Molecular and Vascular Biology).

NM_000504.4(F10):c.1351A>C (p.Ile451Leu)

Genes: F10 (coagulation factor X; plus strand), F10-AS2 (F10 antisense RNA 2; minus strand). Cytogenetic location: 13q34.
Variant type: single nucleotide variant.
Coding change: c.1351A>C on transcript NM_000504.4 (MANE Select); coding-DNA position 1351, A replaced by C.
Protein change: p.Ile451Leu; replaces isoleucine 451 with leucine.
Molecular consequence: missense variant. On other transcripts: 3 prime UTR variant (1).
Genome position (GRCh38, 1-based): chr13:113,149,401, A>C. VCF-style: chr13-113149401-A-C. GRCh37 (hg19) VCF-style: chr13-113803715-A-C.
Other names: c.1219A>C, p.Ile407Leu (NM_001312674.2); c.*342A>C (NM_001312675.2); short protein forms I407L, I451L.
Identifiers: ClinVar variation 1676735 (VCV001676735.2), dbSNP rs369872236, ClinGen allele CA7060734.